The following is an entry in ClinVar:

ClinVar aggregate classification (germline): Likely benign (1 of 4 stars; one submission).

Allele frequency attached by ClinVar (database versions not stated): 1000 Genomes Project 0.00100; 1000 Genomes Project 30x 0.00109; TOPMed 0.00117; ExAC 0.00118; gnomAD 0.00123; gnomAD exomes 0.00130; ESP Exome Variant Server 0.00169.
gnomAD v4.1: 2,090 of 1,614,168 alleles (0.13%); highest among the groups gnomAD compares: Middle Eastern, 0.25%; 2 homozygotes.

Submission:

CeGaT Center for Human Genetics Tuebingen
Classification: Likely benign. Last evaluated: 2022-07-01. Review status: criteria provided, single submitter. Criteria: CeGaT Center For Human Genetics Tuebingen Variant Classification Criteria Version 2. Collection method: clinical testing. Allele origin: germline. Affected: yes. Observed: 1 variant allele.
Comment: USP28: BP4, BP7

NM_001346252.4(USP28):c.1023T>G (p.Leu341=)

Gene: USP28 (ubiquitin specific peptidase 28; minus strand). Cytogenetic location: 11q23.2.
Variant type: single nucleotide variant.
Coding change: c.1023T>G on transcript NM_001346252.4 (MANE Select); coding-DNA position 1023, T replaced by G.
Protein change: p.Leu341=; no amino-acid change (leucine 341 retained).
Molecular consequence: synonymous variant. On other transcripts: 5 prime UTR variant (7), non-coding transcript variant (1).
Genome position (GRCh38, 1-based): chr11:113,829,233, A>C on the plus strand (T>G on the coding strand, the complement: USP28 is on the minus strand). VCF-style: chr11-113829233-A-C. GRCh37 (hg19) VCF-style: chr11-113699955-A-C.
Other names: c.648T>G, p.Leu216= (NM_001301029.2, NM_001346261.2, NM_001346262.2 and 1 more transcripts); c.945T>G, p.Leu315= (NM_001346253.2, NM_001346257.2, NM_001346259.2 and 2 more transcripts); c.1026T>G, p.Leu342= (NM_001346254.2, NM_001400785.1, NM_001400787.1); c.1014T>G, p.Leu338= (NM_001346255.2, NM_001400795.1, NM_001400796.1); c.1023T>G, p.Leu341= (NM_001346258.2, NM_001346273.2, NM_001400786.1 and 2 more transcripts); c.651T>G, p.Leu217= (NM_001346260.2, NM_001400810.1); c.162T>G, p.Leu54= (NM_001346263.2, NM_001400803.1, NM_001400804.1 and 1 more transcripts); c.24T>G, p.Leu8= (NM_001346264.2, NM_001346267.2, NM_001346268.2 and 3 more transcripts); and 10 more.
Identifiers: ClinVar variation 2642382 (VCV002642382.24), dbSNP rs61760221, ClinGen allele CA6283538.
Genomic context (GRCh38, chr11:113,829,233, plus strand): 5'-AGCAAATAAAGATCTCCAACGTACCTCTTGTCCATACTTCACCGAGTGATCGGAGGGAAG[A>C]AGCTCAACATCACCCTCCACCATGGCCCCTTCCAAACACTCGTCTAAGTTGCGATAACCG-3'
Protein context (NP_001333181.1, residues 331-351): EGAMVEGDVE[Leu341=]LPSDHSVKYG